The following is an entry in ClinVar:

NM_001128840.3(CACNA1D):c.619G>C (p.Val207Leu)

Gene: CACNA1D (calcium voltage-gated channel subunit alpha1 D; plus strand). Cytogenetic location: 3p21.1.
Variant type: single nucleotide variant.
Coding change: c.619G>C on transcript NM_001128840.3 (MANE Select); coding-DNA position 619, G replaced by C.
Protein change: p.Val207Leu; replaces valine 207 with leucine.
Molecular consequence: missense variant.
Genome position (GRCh38, 1-based): chr3:53,650,914, G>C. VCF-style: chr3-53650914-G-C. GRCh37 (hg19) VCF-style: chr3-53684941-G-C.
Other names: c.619G>C, p.Val207Leu (NM_000720.4, NM_001128839.3); short protein forms V207L.
Identifiers: ClinVar variation 4999283 (VCV004999283.1).
Genomic context (GRCh38, chr3:53,650,914, plus strand): 5'-CTACATCCTAATGCTTATGTTAGGAATGGATGGAATTTACTGGATTTTGTTATAGTAATA[G>C]TAGGGTAAGTCTCTTTTACTTTGGGGAAATGTTGATTTGGAAAATGGGAGGTGGAGGTTG-3'
Protein context (NP_001122312.1, residues 197-217): WNLLDFVIVI[Val207Leu]GLFSVILEQL

ClinVar aggregate classification (germline): Uncertain significance (1 of 4 stars; one submission).

Conditions:
CACNA1D-related disorder.

Submission:

PreventionGenetics, part of Exact Sciences
Classification: Uncertain significance for CACNA1D-related condition. Last evaluated: 2024-12-18. Review status: criteria provided, single submitter. Criteria: ACMG Guidelines, 2015. Collection method: clinical testing. Allele origin: germline.
Comment: The CACNA1D c.619G>C variant is predicted to result in the amino acid substitution p.Val207Leu. To our knowledge, this variant has not been reported in the literature or in a large population database (gnomAD), indicating this variant is rare. At this time, the clinical significance of this variant is uncertain due to the absence of conclusive functional and genetic evidence.